The following is an entry in ClinVar:

NM_024529.5(CDC73):c.103A>G (p.Asn35Asp)

Gene: CDC73 (cell division cycle 73; plus strand). Cytogenetic location: 1q31.2.
Variant type: single nucleotide variant.
Coding change: c.103A>G on transcript NM_024529.5 (MANE Select); coding-DNA position 103, A replaced by G.
Protein change: p.Asn35Asp; replaces asparagine 35 with aspartic acid.
Molecular consequence: missense variant.
Genome position (GRCh38, 1-based): chr1:193,122,303, A>G. VCF-style: chr1-193122303-A-G. GRCh37 (hg19) VCF-style: chr1-193091433-A-G.
Other names: short protein forms N35D.
Identifiers: ClinVar variation 4223489 (VCV004223489.1).

ClinVar aggregate classification (germline): Uncertain significance (1 of 4 stars; one submission).

Conditions:
Hereditary cancer-predisposing syndrome. Also called: Hereditary Cancer Syndrome; Hereditary neoplastic syndrome; Neoplastic Syndromes, Hereditary; Tumor predisposition. Identifiers: Orphanet 140162, MedGen C0027672, MeSH D009386, MONDO:0015356.

Submission:

Ambry Genetics
Classification: Uncertain significance for Hereditary cancer-predisposing syndrome. Last evaluated: 2025-09-01. Review status: criteria provided, single submitter. Criteria: Ambry Variant Classification Scheme 2023. Collection method: clinical testing. Allele origin: germline.
Comment: The p.N35D variant (also known as c.103A>G), located in coding exon 1 of the CDC73 gene, results from an A to G substitution at nucleotide position 103. The asparagine at codon 35 is replaced by aspartic acid, an amino acid with highly similar properties. This amino acid position is conserved. In addition, this alteration is predicted to be tolerated by in silico analysis. Based on the available evidence, the clinical significance of this variant remains unclear.